The following is an entry in ClinVar:

ClinVar aggregate classification (germline): Uncertain significance (1 of 4 stars; one submission).

Conditions:
RASopathy. Also called: Noonan spectrum disorder; rasopathies. Identifiers: Orphanet 536391, MedGen C5555857, MONDO:0021060.

Submission:

Labcorp Genetics (formerly Invitae), Labcorp
Classification: Uncertain significance for RASopathy. Last evaluated: 2022-11-22. Review status: criteria provided, single submitter. Criteria: Invitae Variant Classification Sherloc (09022015). Collection method: clinical testing. Allele origin: germline.
Comment: This variant is not present in population databases (gnomAD no frequency). This variant has not been reported in the literature in individuals affected with MAP2K1-related conditions. In summary, the available evidence is currently insufficient to determine the role of this variant in disease. Therefore, it has been classified as a Variant of Uncertain Significance. This sequence change creates a premature translational stop signal (p.Gly128Alafs*28) in the MAP2K1 gene. It is expected to result in an absent or disrupted protein product. However, the current clinical and genetic evidence is not sufficient to establish whether loss-of-function variants in MAP2K1 cause disease.

NM_002755.4(MAP2K1):c.383del (p.Gly128fs)

Gene: MAP2K1 (mitogen-activated protein kinase kinase 1; plus strand). Cytogenetic location: 15q22.31.
Variant type: Deletion.
Coding change: c.383del on transcript NM_002755.4 (MANE Select); coding-DNA position 383, one base deleted (G; older notation c.383delG).
Protein change: p.Gly128fs; shifts the reading frame from glycine 128.
Molecular consequence: frameshift variant.
Genome position (GRCh38, 1-based): chr15:66,436,837, G deleted; the last of 3 consecutive G bases (chr15:66,436,835-66,436,837); deleting any one gives the same sequence. VCF-style (leftmost placement, unchanged base first): chr15-66436834-TG-T. GRCh37 (hg19) VCF-style: chr15-66729172-TG-T.
Other names: c.317delG, p.Gly106Alafs (NM_001411065.1); short protein forms G128fs.
Identifiers: ClinVar variation 2048931 (VCV002048931.4), dbSNP rs2545053913, ClinGen allele CA2580089884.